The following is an entry in ClinVar:

NM_015295.3(SMCHD1):c.5020A>G (p.Ile1674Val)

Gene: SMCHD1 (structural maintenance of chromosomes flexible hinge domain containing 1; plus strand). Cytogenetic location: 18p11.32.
Variant type: single nucleotide variant.
Coding change: c.5020A>G on transcript NM_015295.3 (MANE Select); coding-DNA position 5020, A replaced by G.
Protein change: p.Ile1674Val; replaces isoleucine 1674 with valine.
Molecular consequence: missense variant.
Genome position (GRCh38, 1-based): chr18:2,771,586, A>G. VCF-style: chr18-2771586-A-G. GRCh37 (hg19) VCF-style: chr18-2771584-A-G.
Other names: short protein forms I1674V.
Identifiers: ClinVar variation 2150015 (VCV002150015.4), dbSNP rs1253935088, ClinGen allele CA401682737.

ClinVar aggregate classification (germline): Uncertain significance (1 of 4 stars; one submission).

Conditions:
Facioscapulohumeral muscular dystrophy 2 (FSHD2). Also called: FACIOSCAPULOHUMERAL MUSCULAR DYSTROPHY 2, DIGENIC; FSHD2, DIGENIC; MUSCULAR DYSTROPHY, FACIOSCAPULOHUMERAL, TYPE 1B. Identifiers: Orphanet 269, MedGen C1834671, MONDO:0008031, OMIM 158901.

Allele frequency attached by ClinVar (database versions not stated): gnomAD exomes below 0.00001; gnomAD 0.00001; TOPMed 0.00001.
gnomAD v4.1: 3 of 1,569,176 alleles (0.00019%); highest among the groups gnomAD compares: African/African-American, 0.0042%; no homozygotes.

Submission:

Labcorp Genetics (formerly Invitae), Labcorp
Classification: Uncertain significance for Facioscapulohumeral muscular dystrophy 2. Last evaluated: 2024-10-29. Review status: criteria provided, single submitter. Criteria: Invitae Variant Classification Sherloc (09022015). Collection method: clinical testing. Allele origin: germline.
Comment: This sequence change replaces isoleucine, which is neutral and non-polar, with valine, which is neutral and non-polar, at codon 1674 of the SMCHD1 protein (p.Ile1674Val). This variant is not present in population databases (gnomAD no frequency). This variant has not been reported in the literature in individuals affected with SMCHD1-related conditions. ClinVar contains an entry for this variant (Variation ID: 2150015). Invitae Evidence Modeling of protein sequence and biophysical properties (such as structural, functional, and spatial information, amino acid conservation, physicochemical variation, residue mobility, and thermodynamic stability) indicates that this missense variant is not expected to disrupt SMCHD1 protein function with a negative predictive value of 80%. In summary, the available evidence is currently insufficient to determine the role of this variant in disease. Therefore, it has been classified as a Variant of Uncertain Significance.